The following is an entry in ClinVar:

ClinVar aggregate classification (germline): Likely benign. Review status: criteria provided, multiple submitters, no conflicts (2 of 4 stars). 2 submissions from 2 submitters: Likely benign (2). Last evaluated 2026-05-26.

Conditions:
Ehlers-Danlos syndrome, classic type, 1 (EDSCL1). Also called: EHLERS-DANLOS SYNDROME, GRAVIS TYPE; EHLERS-DANLOS SYNDROME, SEVERE CLASSIC TYPE; Ehlers-Danlos syndrome, type 1; Ehlers-Danlos Syndrome, Classic Type, COL5A1-Related; EDS I. Identifiers: MedGen C0268335, MONDO:0019567, OMIM 130000.

gnomAD v4.1: 9 of 1,585,114 alleles (0.00057%); highest among the groups gnomAD compares: East Asian, 0.018%; no homozygotes.

Submissions (2):

Women's Health and Genetics/Laboratory Corporation of America, LabCorp
Classification: Likely benign. Last evaluated: 2026-05-26. Review status: criteria provided, single submitter. Criteria: LabCorp Variant Classification Summary - May 2015. Collection method: clinical testing. Allele origin: germline.
Comment: Variant summary: COL5A2 c.3040-19A>T alters a nucleotide located at a position not widely known to affect splicing. Consensus agreement among computation tools predict no significant impact on normal splicing. However, these predictions have yet to be confirmed by functional studies. The variant allele was found at a frequency of 1.3e-05 in 236520 control chromosomes. The available data on variant occurrences in the general population are insufficient to allow any conclusion about variant significance. To our knowledge, no occurrence of c.3040-19A>T in individuals affected with COL5A2-related conditions and no experimental evidence demonstrating its impact on protein function have been reported. ClinVar contains an entry for this variant (Variation ID: 4748293). Based on the evidence outlined above, the variant was classified as likely benign.

Labcorp Genetics (formerly Invitae), Labcorp
Classification: Likely benign for Ehlers-Danlos syndrome, classic type, 1. Last evaluated: 2025-11-06. Review status: criteria provided, single submitter. Criteria: Invitae Variant Classification Sherloc (09022015). Collection method: clinical testing. Allele origin: germline.

NM_000393.5(COL5A2):c.3040-19A>T

Gene: COL5A2 (collagen type V alpha 2 chain; minus strand). Cytogenetic location: 2q32.2.
Variant type: single nucleotide variant.
Coding change: c.3040-19A>T on transcript NM_000393.5 (MANE Select); 19 bases into the intron before coding-DNA position 3040, A replaced by T.
Molecular consequence: intron variant.
Genome position (GRCh38, 1-based): chr2:189,049,473, T>A on the plus strand (A>T on the coding strand, the complement: COL5A2 is on the minus strand). VCF-style: chr2-189049473-T-A. GRCh37 (hg19) VCF-style: chr2-189914199-T-A.
Identifiers: ClinVar variation 4748293 (VCV004748293.2).
Genomic context (GRCh38, chr2:189,049,473, plus strand): 5'-ATCTCCTGTTGCACCAGTTGGTCCTACTTTTCCTGGTGTTCCCTGAAATAGAAGTATAAA[T>A]GTCAAACACTTGTGAAGAAATTGAAGAACGCTAGTTCCCATAAAGGCTAAGTTTTCAAAA-3'